The following is an entry in ClinVar:

ClinVar aggregate classification (germline): Uncertain significance. Review status: criteria provided, multiple submitters, no conflicts (2 of 4 stars). 2 submissions from 2 submitters: Uncertain significance (2). Last evaluated 2025-12-11.

Conditions:
Rhabdoid tumor predisposition syndrome 2 (RTPS2). Identifiers: Orphanet 231108, Orphanet 69077, MedGen C2750074, MONDO:0013224, OMIM 613325.
Hereditary cancer-predisposing syndrome. Also called: Hereditary Cancer Syndrome; Hereditary neoplastic syndrome; Tumor predisposition; Neoplastic Syndromes, Hereditary. Identifiers: Orphanet 140162, MedGen C0027672, MeSH D009386, MONDO:0015356.

Submissions (2):

Ambry Genetics
Classification: Uncertain significance for Hereditary cancer-predisposing syndrome. Last evaluated: 2025-12-11. Review status: criteria provided, single submitter. Criteria: Ambry Variant Classification Scheme 2023. Collection method: clinical testing. Allele origin: germline.
Comment: The p.N1282D variant (also known as c.3844A>G), located in coding exon 26 of the SMARCA4 gene, results from an A to G substitution at nucleotide position 3844. The asparagine at codon 1282 is replaced by aspartic acid, an amino acid with highly similar properties. This amino acid position is well conserved in available vertebrate species. In addition, this alteration is predicted to be tolerated by in silico analysis. Missense and in-frame variants in SMARCA4 are known to cause neurodevelopmental disorders; however, such associations with rhabdoid tumor predisposition syndrome including small cell carcinoma of the ovary-hypercalcemic type (SCCOHT) are exceedingly rare (Kosho T et al. Am J Med Genet C Semin Med Genet. 2014 Sep;166C(3):262-75; Jelinic P et al. Nat Genet. 2014 May;46(5):424-6). Based on the supporting evidence, the association of this alteration with Coffin-Siris syndrome is unknown; however, the association of this alteration with rhabdoid tumor predisposition syndrome is unlikely.

Labcorp Genetics (formerly Invitae), Labcorp
Classification: Uncertain significance for Rhabdoid tumor predisposition syndrome 2. Last evaluated: 2022-11-15. Review status: criteria provided, single submitter. Criteria: Invitae Variant Classification Sherloc (09022015). Collection method: clinical testing. Allele origin: germline.
Comment: In summary, the available evidence is currently insufficient to determine the role of this variant in disease. Therefore, it has been classified as a Variant of Uncertain Significance. Algorithms developed to predict the effect of missense changes on protein structure and function (SIFT, PolyPhen-2, Align-GVGD) all suggest that this variant is likely to be tolerated. ClinVar contains an entry for this variant (Variation ID: 843434). This variant has not been reported in the literature in individuals affected with SMARCA4-related conditions. This variant is not present in population databases (gnomAD no frequency). This sequence change replaces asparagine, which is neutral and polar, with aspartic acid, which is acidic and polar, at codon 1282 of the SMARCA4 protein (p.Asn1282Asp).

NM_003072.5(SMARCA4):c.3844A>G (p.Asn1282Asp)

Gene: SMARCA4 (SWI/SNF related BAF chromatin remodeling complex subunit ATPase 4; plus strand). Cytogenetic location: 19p13.2.
Variant type: single nucleotide variant.
Coding change: c.3844A>G on transcript NM_003072.5 (MANE Select); coding-DNA position 3844, A replaced by G.
Protein change: p.Asn1282Asp; replaces asparagine 1282 with aspartic acid.
Molecular consequence: missense variant. On other transcripts: intron variant (5).
Genome position (GRCh38, 1-based): chr19:11,033,836, A>G. VCF-style: chr19-11033836-A-G. GRCh37 (hg19) VCF-style: chr19-11144512-A-G.
Other names: c.3844A>G, p.Asn1282Asp (NM_001128844.3, NM_001128849.3); c.3775-287A>G (NM_001128847.4, NM_001374457.1, NM_001128845.2 and 2 more transcripts); short protein forms N1282D.
Identifiers: ClinVar variation 843434 (VCV000843434.12), dbSNP rs2075092306, ClinGen allele CA404066726.
Genomic context (GRCh38, chr19:11,033,836, plus strand): 5'-TGCAGCACGGGCAGCGGCAGTGCCAGCTTCGCCCACACTGCCCCTCCGCCAGCGGGCGTC[A>G]ACCCCGACTTGGAGGAGCCACCTCTAAAGGTGAGAGGGGTAGTTCAGTCTCCATGCCCAT-3'
Protein context (NP_003063.2, residues 1272-1292): AHTAPPPAGV[Asn1282Asp]PDLEEPPLKE